The following is an entry in ClinVar:

ClinVar aggregate classification (germline): Uncertain significance. Review status: criteria provided, multiple submitters, no conflicts (2 of 4 stars). 2 submissions from 2 submitters: Uncertain significance (2). Last evaluated 2024-05-20.

Allele frequency attached by ClinVar (database versions not stated): 1000 Genomes Project 30x 0.00016; ExAC 0.00016; gnomAD 0.00017; 1000 Genomes Project 0.00020; TOPMed 0.00023; gnomAD exomes 0.00037; ESP Exome Variant Server 0.00046.
gnomAD v4.1: 554 of 1,605,756 alleles (0.035%); highest among the groups gnomAD compares: Non-Finnish European, 0.045%; 2 homozygotes.

Submissions (2):

Ambry Genetics
Classification: Uncertain significance. Last evaluated: 2024-05-20. Review status: criteria provided, single submitter. Criteria: Ambry Variant Classification Scheme 2023. Collection method: clinical testing. Allele origin: germline.

Labcorp Genetics (formerly Invitae), Labcorp
Classification: Uncertain significance. Last evaluated: 2021-12-15. Review status: criteria provided, single submitter. Criteria: Invitae Variant Classification Sherloc (09022015). Collection method: clinical testing. Allele origin: germline.
Comment: This sequence change replaces glutamine, which is neutral and polar, with glutamic acid, which is acidic and polar, at codon 451 of the NUP160 protein (p.Gln451Glu). This variant is present in population databases (rs199540952, gnomAD 0.04%). This variant has not been reported in the literature in individuals affected with NUP160-related conditions. Algorithms developed to predict the effect of missense changes on protein structure and function are either unavailable or do not agree on the potential impact of this missense change (SIFT: "Not Available"; PolyPhen-2: "Possibly Damaging"; Align-GVGD: "Not Available"). In summary, the available evidence is currently insufficient to determine the role of this variant in disease. Therefore, it has been classified as a Variant of Uncertain Significance.

NM_015231.3(NUP160):c.1249C>G (p.Gln417Glu)

Gene: NUP160 (nucleoporin 160; minus strand). Cytogenetic location: 11p11.2.
Variant type: single nucleotide variant.
Coding change: c.1249C>G on transcript NM_015231.3 (MANE Select); coding-DNA position 1249, C replaced by G.
Protein change: p.Gln417Glu; replaces glutamine 417 with glutamic acid.
Molecular consequence: missense variant. On other transcripts: non-coding transcript variant (1).
Genome position (GRCh38, 1-based): chr11:47,819,385, G>C on the plus strand (C>G on the coding strand, the complement: NUP160 is on the minus strand). VCF-style: chr11-47819385-G-C. GRCh37 (hg19) VCF-style: chr11-47840937-G-C.
Other names: short protein forms Q417E.
Identifiers: ClinVar variation 2071237 (VCV002071237.3), dbSNP rs199540952, ClinGen allele CA5981353.
Genomic context (GRCh38, chr11:47,819,385, plus strand): 5'-AAGATCAAAGTAAATCATTCCCTTATATAACATTTGAGCATCTACTTACTCTGGGGTCTT[G>C]ATCATCTCTGATGACAATCTCTTCCTCTGGCAGAGGCTGCATAAAAACTGGATTCCACTG-3'
Protein context (NP_056046.2, residues 407-427): PEEEIVIRDD[Gln417Glu]DPREMYLQSL